The following is an entry in ClinVar:

NM_030665.4(RAI1):c.4097G>A (p.Arg1366His)

Gene: RAI1 (retinoic acid induced 1; plus strand). Cytogenetic location: 17p11.2.
Variant type: single nucleotide variant.
Coding change: c.4097G>A on transcript NM_030665.4 (MANE Select); coding-DNA position 4097, G replaced by A.
Protein change: p.Arg1366His; replaces arginine 1366 with histidine.
Molecular consequence: missense variant.
Genome position (GRCh38, 1-based): chr17:17,797,045, G>A. VCF-style: chr17-17797045-G-A. GRCh37 (hg19) VCF-style: chr17-17700359-G-A.
Other names: short protein forms R1366H.
Identifiers: ClinVar variation 3354051 (VCV003354051.2).

ClinVar aggregate classification (germline): Uncertain significance. Review status: criteria provided, single submitter (1 of 4 stars). 2 submissions from 2 submitters: Uncertain significance (1). 1 of the submissions does not count toward it. Last evaluated 2025-08-03.

Conditions:
RAI1-related disorder. Also called: RAI1-related condition.

gnomAD v4.1: 14 of 1,613,914 alleles (0.00087%); highest among the groups gnomAD compares: Admixed American, 0.0083%; no homozygotes.

Submissions (2):

Labcorp Genetics (formerly Invitae), Labcorp
Classification: Uncertain significance. Last evaluated: 2025-08-03. Review status: criteria provided, single submitter. Criteria: Invitae Variant Classification Sherloc (09022015). Collection method: clinical testing. Allele origin: germline.
Comment: This sequence change replaces arginine, which is basic and polar, with histidine, which is basic and polar, at codon 1366 of the RAI1 protein (p.Arg1366His). This variant is present in population databases (rs140001376, gnomAD 0.01%). This variant has not been reported in the literature in individuals affected with RAI1-related conditions. ClinVar contains an entry for this variant (Variation ID: 3354051). Invitae Evidence Modeling of protein sequence and biophysical properties (such as structural, functional, and spatial information, amino acid conservation, physicochemical variation, residue mobility, and thermodynamic stability) indicates that this missense variant is not expected to disrupt RAI1 protein function with a negative predictive value of 80%. In summary, the available evidence is currently insufficient to determine the role of this variant in disease. Therefore, it has been classified as a Variant of Uncertain Significance.

PreventionGenetics, part of Exact Sciences
Classification: Uncertain significance for RAI1-related condition. Last evaluated: 2024-03-05. Review status: no assertion criteria provided. Collection method: clinical testing. Allele origin: germline. Not counted in ClinVar's aggregate classification.
Comment: The RAI1 c.4097G>A variant is predicted to result in the amino acid substitution p.Arg1366His. To our knowledge, this variant has not been reported in the literature. This variant is reported in 0.014% of alleles in individuals of Latino descent in gnomAD. Although we suspect that this variant may be benign, at this time, the clinical significance of this variant is uncertain due to the absence of conclusive functional and genetic evidence.